The following is an entry in ClinVar:

ClinVar aggregate classification (germline): Uncertain significance (1 of 4 stars; one submission).

Conditions:
Glycogen storage disease, type VII (GSD7). Also called: PFKM DEFICIENCY; TARUI DISEASE; GSD VII; MUSCLE PHOSPHOFRUCTOKINASE DEFICIENCY. Identifiers: Orphanet 371, MedGen C0017926, MONDO:0009295, OMIM 232800.

Allele frequency attached by ClinVar (database versions not stated): TOPMed below 0.00001.
gnomAD v4.1: 5 of 1,613,402 alleles (0.00031%); highest among the groups gnomAD compares: Non-Finnish European, 0.00042%; no homozygotes.

Submission:

Labcorp Genetics (formerly Invitae), Labcorp
Classification: Uncertain significance for Glycogen storage disease, type VII. Last evaluated: 2022-03-13. Review status: criteria provided, single submitter. Criteria: Invitae Variant Classification Sherloc (09022015). Collection method: clinical testing. Allele origin: germline.
Comment: Algorithms developed to predict the effect of sequence changes on RNA splicing suggest that this variant may disrupt the consensus splice site. In summary, the available evidence is currently insufficient to determine the role of this variant in disease. Therefore, it has been classified as a Variant of Uncertain Significance. This sequence change falls in intron 14 of the PFKM gene. It does not directly change the encoded amino acid sequence of the PFKM protein. This variant is not present in population databases (gnomAD no frequency). This variant has not been reported in the literature in individuals affected with PFKM-related conditions.

NM_000289.6(PFKM):c.1342-15G>A

Gene: PFKM (phosphofructokinase, muscle; plus strand). Cytogenetic location: 12q13.11.
Variant type: single nucleotide variant.
Coding change: c.1342-15G>A on transcript NM_000289.6 (MANE Select); 15 bases into the intron before coding-DNA position 1342, G replaced by A.
Molecular consequence: intron variant.
Genome position (GRCh38, 1-based): chr12:48,141,296, G>A. VCF-style: chr12-48141296-G-A. GRCh37 (hg19) VCF-style: chr12-48535079-G-A.
Other names: c.1366-15G>A (NM_001354741.2); c.1342-15G>A (NM_001354742.2, NM_001354743.2, NM_001354744.2 and 2 more transcripts); c.1192-15G>A (NM_001354747.2, NM_001354748.2); c.1555-15G>A (NM_001166686.2, NM_001354737.1, NM_001354739.1 and 1 more transcripts); c.1651-15G>A (NM_001354736.1, NM_001354735.1); c.1486-15G>A (NM_001354740.1); c.1255-15G>A (NM_001354745.2); c.1216-15G>A (NM_001354746.2); and 1 more.
Identifiers: ClinVar variation 1971861 (VCV001971861.5), dbSNP rs1158846922, ClinGen allele CA689496664.